The following is an entry in ClinVar:

ClinVar aggregate classification (germline): Uncertain significance (1 of 4 stars; one submission).

Conditions:
CHARGE syndrome (CHARGE). Also called: Hittner Hirsch Kreh syndrome; CHARGE ASSOCIATION--COLOBOMA, HEART ANOMALY, CHOANAL ATRESIA, RETARDATION, GENITAL AND EAR ANOMALIES; Coloboma, heart anomaly, choanal atresia, retardation, genital and ear anomalies; CHARGE association; Hall-Hittner syndrome. Identifiers: Orphanet 138, MedGen C0265354, MONDO:0008965.

Submission:

Labcorp Genetics (formerly Invitae), Labcorp
Classification: Uncertain significance for CHARGE syndrome. Last evaluated: 2023-06-15. Review status: criteria provided, single submitter. Criteria: Invitae Variant Classification Sherloc (09022015). Collection method: clinical testing. Allele origin: germline.
Comment: In summary, the available evidence is currently insufficient to determine the role of this variant in disease. Therefore, it has been classified as a Variant of Uncertain Significance. Advanced modeling of protein sequence and biophysical properties (such as structural, functional, and spatial information, amino acid conservation, physicochemical variation, residue mobility, and thermodynamic stability) performed at Invitae indicates that this missense variant is not expected to disrupt CHD7 protein function. This variant has not been reported in the literature in individuals affected with CHD7-related conditions. This variant is not present in population databases (gnomAD no frequency). This sequence change replaces arginine, which is basic and polar, with threonine, which is neutral and polar, at codon 2303 of the CHD7 protein (p.Arg2303Thr).

NM_017780.4(CHD7):c.6908G>C (p.Arg2303Thr)

Gene: CHD7 (chromodomain helicase DNA binding protein 7; plus strand). Cytogenetic location: 8q12.2.
Variant type: single nucleotide variant.
Coding change: c.6908G>C on transcript NM_017780.4 (MANE Select); coding-DNA position 6908, G replaced by C.
Protein change: p.Arg2303Thr; replaces arginine 2303 with threonine.
Molecular consequence: missense variant. On other transcripts: intron variant (1).
Genome position (GRCh38, 1-based): chr8:60,854,495, G>C. VCF-style: chr8-60854495-G-C. GRCh37 (hg19) VCF-style: chr8-61767054-G-C.
Other names: c.1717-7734G>C (NM_001316690.1); short protein forms R2303T.
Identifiers: ClinVar variation 2722180 (VCV002722180.3), dbSNP rs2488057734, ClinGen allele CA371295204.
Genomic context (GRCh38, chr8:60,854,495, plus strand): 5'-CCCGAGATGGATTCTACATGGAGGACGGAGATCCTTCAGTAGCTCAGCTCCTTCATGAAA[G>C]AACATTTGCCTTCTCGTTTTGGCCTAAGGTTGGCAGGTTTTTGTTGCTGTTGTTTTGCTG-3'
Protein context (NP_060250.2, residues 2293-2313): DPSVAQLLHE[Arg2303Thr]TFAFSFWPKD